The following is an entry in ClinVar:

NM_000540.3(RYR1):c.1925+150C>G

Gene: RYR1 (ryanodine receptor 1; plus strand). Cytogenetic location: 19q13.2.
Variant type: single nucleotide variant.
Coding change: c.1925+150C>G on transcript NM_000540.3 (MANE Select); 150 bases into the intron after coding-DNA position 1925, C replaced by G.
Molecular consequence: intron variant.
Genome position (GRCh38, 1-based): chr19:38,457,780, C>G. VCF-style: chr19-38457780-C-G. GRCh37 (hg19) VCF-style: chr19-38948420-C-G.
Other names: c.1925+150C>G (NM_001042723.2).
Identifiers: ClinVar variation 669168 (VCV000669168.2), dbSNP rs73044990, ClinGen allele CA15957573.

ClinVar aggregate classification (germline): Benign. Review status: criteria provided, multiple submitters, no conflicts (2 of 4 stars). 2 submissions from 2 submitters: Benign (2). Last evaluated 2018-06-14.

Allele frequency attached by ClinVar (database versions not stated): 1000 Genomes Project 0.05272; 1000 Genomes Project 30x 0.05372; TOPMed 0.11521; gnomAD 0.13102.
gnomAD v4.1: 118,024 of 861,082 alleles (14%); highest among the groups gnomAD compares: Non-Finnish European, 18%; 10,197 homozygotes.

Submissions (2):

GeneDx
Classification: Benign. Last evaluated: 2018-06-14. Review status: criteria provided, single submitter. Criteria: GeneDx Variant Classification (06012015). Collection method: clinical testing. Allele origin: germline. Affected: yes.
Comment: This variant is considered likely benign or benign based on one or more of the following criteria: it is a conservative change, it occurs at a poorly conserved position in the protein, it is predicted to be benign by multiple in silico algorithms, and/or has population frequency not consistent with disease.

Breakthrough Genomics
Classification: Benign. Review status: criteria provided, single submitter. Criteria: ACMG Guidelines, 2015. Collection method: not provided. Allele origin: germline. Inheritance: Autosomal recessive inheritance. Affected: yes.